The following is an entry in ClinVar:

ClinVar aggregate classification (germline): Uncertain significance (1 of 4 stars; one submission).

Allele frequency attached by ClinVar (database versions not stated): gnomAD exomes 0.00001.
gnomAD v4.1: 7 of 1,614,114 alleles (0.00043%); highest among the groups gnomAD compares: Non-Finnish European, 0.00059%; no homozygotes.

Submission:

GeneDx
Classification: Uncertain significance. Last evaluated: 2023-03-27. Review status: criteria provided, single submitter. Criteria: GeneDx Variant Classification Process June 2021. Collection method: clinical testing. Allele origin: germline. Affected: yes.
Comment: Not observed at significant frequency in large population cohorts (gnomAD); In silico analysis supports that this missense variant has a deleterious effect on protein structure/function; Has not been previously published as pathogenic or benign to our knowledge

NM_018117.12(WDR11):c.3209T>C (p.Leu1070Pro)

Gene: WDR11 (WD repeat domain 11; plus strand). Cytogenetic location: 10q26.12.
Variant type: single nucleotide variant.
Coding change: c.3209T>C on transcript NM_018117.12 (MANE Select); coding-DNA position 3209, T replaced by C.
Protein change: p.Leu1070Pro; replaces leucine 1070 with proline.
Molecular consequence: missense variant.
Genome position (GRCh38, 1-based): chr10:120,905,334, T>C. VCF-style: chr10-120905334-T-C. GRCh37 (hg19) VCF-style: chr10-122664846-T-C.
Other names: short protein forms L1070P.
Identifiers: ClinVar variation 2581999 (VCV002581999.1), dbSNP rs2493388828, ClinGen allele CA378315717.